The following is an entry in ClinVar:

ClinVar aggregate classification (germline): Pathogenic. Review status: criteria provided, multiple submitters, no conflicts (2 of 4 stars). 5 submissions from 5 submitters: Pathogenic (5). Last evaluated 2025-03-19.

Conditions:
Recessive dystrophic epidermolysis bullosa (RDEB). Also called: severe generalized recessive dystrophic epidermolysis bullosa; Recessive DEB (RDEB); Hallopeau-Siemens Disease; epidermolysis bullosa dystrophica, autosomal recessive; EPIDERMOLYSIS BULLOSA DYSTROPHICA, GENERALIZED SEVERE, AUTOSOMAL RECESSIVE; DYSTROPHIC EPIDERMOLYSIS BULLOSA, AUTOSOMAL RECESSIVE. Identifiers: Orphanet 79408, Orphanet 79409, MedGen C0079474, MONDO:0009179, OMIM 226600.
Epidermolysis bullosa pruriginosa. Also called: DEB, PRURIGINOSA; DYSTROPHIC EPIDERMOLYSIS BULLOSA PRURIGINOSA. Identifiers: Orphanet 89843, MedGen C1275114, MONDO:0011398, OMIM 604129.
COL7A1-related disorder. Also called: COL7A1- related disorders; COL7A1-related condition.

Allele frequency attached by ClinVar (database versions not stated): gnomAD 0.00001; gnomAD exomes below 0.00001.
gnomAD v4.1: 5 of 1,613,670 alleles (0.00031%); highest among the groups gnomAD compares: African/African-American, 0.0013%; no homozygotes.

Submissions (5):

Myriad Genetics, Inc.
Classification: Pathogenic for Recessive dystrophic epidermolysis bullosa. Last evaluated: 2025-03-19. Review status: criteria provided, single submitter. Criteria: Myriad Autosomal Dominant, Autosomal Recessive and X-Linked Classification Criteria (2023). Collection method: clinical testing. Allele origin: unknown.
Comment: NM_000094.3(COL7A1):c.8053C>T(R2685*) is expected to be pathogenic in the context of dystrophic epidermolysis bullosa. This variant is predicted to lead to an abnormal or absent protein product due to the creation of a premature termination codon in COL7A1, a gene where loss-of-function variants are known to be pathogenic. Please note: this variant was assessed in the context of healthy population screening.

Labcorp Genetics (formerly Invitae), Labcorp
Classification: Pathogenic. Last evaluated: 2024-11-27. Review status: criteria provided, single submitter. Criteria: Invitae Variant Classification Sherloc (09022015). Collection method: clinical testing. Allele origin: germline.
Comment: This sequence change creates a premature translational stop signal (p.Arg2685*) in the COL7A1 gene. It is expected to result in an absent or disrupted protein product. Loss-of-function variants in COL7A1 are known to be pathogenic (PMID: 16971478). This variant is not present in population databases (gnomAD no frequency). This premature translational stop signal has been observed in individuals with autosomal recessive dystrophic epidermolysis bullosa (PMID: 10408773, 19665875). ClinVar contains an entry for this variant (Variation ID: 932076). For these reasons, this variant has been classified as Pathogenic.

Women's Health and Genetics/Laboratory Corporation of America, LabCorp
Classification: Pathogenic for COL7A1-Related Disorders. Last evaluated: 2023-08-21. Review status: criteria provided, single submitter. Criteria: LabCorp Variant Classification Summary - May 2015. Collection method: clinical testing. Allele origin: germline.
Comment: Variant summary: COL7A1 c.8053C>T (p.Arg2685X) results in a premature termination codon, predicted to cause a truncation of the encoded protein or absence of the protein due to nonsense mediated decay, which are commonly known mechanisms for disease. The variant was absent in 251130 control chromosomes (gnomAD). c.8053C>T has been reported in the literature in individuals affected with Dystrophic Epidermolysis Bullosa, Recessive (e.g., Chen_2022). The following publication was ascertained in the context of this evaluation (PMID: 36287101). Three submitters have reported clinical-significance assessments for this variant to ClinVar after 2014. All submitters classified the variant as pathogenic. Based on the evidence outlined above, the variant was classified as pathogenic.

GeneDx
Classification: Pathogenic. Last evaluated: 2019-09-24. Review status: criteria provided, single submitter. Criteria: GeneDx Variant Classification Process June 2021. Collection method: clinical testing. Allele origin: germline. Affected: yes.
Comment: Nonsense variant predicted to result in protein truncation or nonsense mediated decay in a gene for which loss-of-function is a known mechanism of disease; Not observed in large population cohorts (Lek et al., 2016); This variant is associated with the following publications: (PMID: 19665875, 10408773, 12485454, 25525159)

Centre for Mendelian Genomics, University Medical Centre Ljubljana
Classification: Pathogenic for Epidermolysis bullosa pruriginosa. Last evaluated: 2016-01-01. Review status: criteria provided, single submitter. Criteria: ACMG Guidelines, 2015. Collection method: clinical testing. Allele origin: unknown. Affected: yes.
Comment: This variant was classified as: Pathogenic.

Literature cited by the submitters: PubMed 16971478 (cited by Labcorp Genetics (formerly Invitae), Labcorp); PubMed 10408773 (cited by Labcorp Genetics (formerly Invitae), Labcorp); PubMed 19665875 (cited by Labcorp Genetics (formerly Invitae), Labcorp); PubMed 36287101 (cited by Women's Health and Genetics/Laboratory Corporation of America, LabCorp).

NM_000094.4(COL7A1):c.8053C>T (p.Arg2685Ter)

Gene: COL7A1 (collagen type VII alpha 1 chain; minus strand). Cytogenetic location: 3p21.31.
Variant type: single nucleotide variant.
Coding change: c.8053C>T on transcript NM_000094.4 (MANE Select); coding-DNA position 8053, C replaced by T.
Protein change: p.Arg2685Ter; replaces arginine 2685 with a stop codon.
Molecular consequence: nonsense.
Genome position (GRCh38, 1-based): chr3:48,567,184, G>A on the plus strand (C>T on the coding strand, the complement: COL7A1 is on the minus strand). VCF-style: chr3-48567184-G-A. GRCh37 (hg19) VCF-style: chr3-48604617-G-A.
Other names: short protein forms R2685*.
Identifiers: ClinVar variation 932076 (VCV000932076.13), dbSNP rs2043645754, ClinGen allele CA352640761.
Genomic context (GRCh38, chr3:48,567,184, plus strand): 5'-TCACCCGCTCCCCTTTCTCGCCCTGGTCACCCTTGGGGCCTGGCTGCCCGTCAAAGCCTC[G>A]GTCACCCTGGGAACAGAAGAAGCATGAGAGACCTTCTGCCCTGACCTCCCTCAGCTCTGG-3'